The following is an entry in ClinVar:

NM_005188.3(CBL):c.-96G>A

Genes: CBL (Cbl proto-oncogene; plus strand), FRA11B (fragile site, folic acid type, rare, fra(11)(q23.3); plus strand), LOC130006894 (ATAC-STARR-seq lymphoblastoid silent region 3974; plus strand). Cytogenetic location: 11q23.3.
Variant type: single nucleotide variant.
Coding change: c.-96G>A on transcript NM_005188.3; 96 bases upstream of the start codon, G replaced by A.
Genome position (GRCh38, 1-based): chr11:119,206,322, G>A. VCF-style: chr11-119206322-G-A. GRCh37 (hg19) VCF-style: chr11-119077032-G-A.
Identifiers: ClinVar variation 302772 (VCV000302772.10), dbSNP rs548262208, ClinGen allele CA10637373.
Genomic context (GRCh38, chr11:119,206,322, plus strand): 5'-CGGCCGCTCCTCCCTCCGCCCGGATAGCCGGCGGCGGCGGCGGCGGCGGCGGCGGCGGCG[G>A]CCGGGAGAGGCCCCTCCTTCACGCCCTGCTTCTCTCCCTCGCTCGCAGTCGAGCCGAGCC-3'

ClinVar aggregate classification (germline): Benign/Likely benign. Review status: criteria provided, multiple submitters, no conflicts (2 of 4 stars). 3 submissions from 3 submitters: Benign (1); Likely benign (2). Last evaluated 2019-08-15.

Conditions:
CBL-related disorder. Also called: CBL MUTATION-ASSOCIATED SYNDROME; CBL SYNDROME; NOONAN SYNDROME-LIKE DISORDER WITHOUT JUVENILE MYELOMONOCYTIC LEUKEMIA. Identifiers: Orphanet 363972, MedGen C3150803, MONDO:0013308, OMIM 613563.

Allele frequency attached by ClinVar (database versions not stated): gnomAD 0.00849 and 0.00881; 1000 Genomes Project 30x 0.00671; 1000 Genomes Project 0.00679; TOPMed 0.00912.

Submissions (3):

GeneDx
Classification: Likely benign. Last evaluated: 2019-08-15. Review status: criteria provided, single submitter. Criteria: GeneDx Variant Classification Process June 2021. Collection method: clinical testing. Allele origin: germline. Affected: yes.

Illumina Laboratory Services, Illumina
Classification: Benign for CBL-related disorder. Last evaluated: 2018-01-13. Review status: criteria provided, single submitter. Criteria: ICSL Variant Classification Criteria 13 December 2019. Collection method: clinical testing. Allele origin: germline.
Comment: This variant was observed in the ICSL laboratory as part of a predisposition screen in an ostensibly healthy population. It had not been previously curated by ICSL or reported in the Human Gene Mutation Database (HGMD: prior to June 1st, 2018), and was therefore a candidate for classification through an automated scoring system. Utilizing variant allele frequency, disease prevalence and penetrance estimates, and inheritance mode, an automated score was calculated to assess if this variant is too frequent to cause the disease. Based on the score and internal cut-off values, a variant classified as benign is not then subjected to further curation. The score for this variant resulted in a classification of benign for this disease.

Breakthrough Genomics
Classification: Likely benign. Review status: criteria provided, single submitter. Criteria: ACMG Guidelines, 2015. Collection method: not provided. Allele origin: germline. Inheritance: Autosomal dominant inheritance. Affected: yes.